The following is an entry in ClinVar:

NM_000069.3(CACNA1S):c.4053A>G (p.Thr1351=)

Gene: CACNA1S (calcium voltage-gated channel subunit alpha1 S; minus strand). Cytogenetic location: 1q32.1.
Variant type: single nucleotide variant.
Coding change: c.4053A>G on transcript NM_000069.3 (MANE Select); coding-DNA position 4053, A replaced by G.
Protein change: p.Thr1351=; no amino-acid change (threonine 1351 retained).
Molecular consequence: synonymous variant.
Genome position (GRCh38, 1-based): chr1:201,051,044, T>C on the plus strand (A>G on the coding strand, the complement: CACNA1S is on the minus strand). VCF-style: chr1-201051044-T-C. GRCh37 (hg19) VCF-style: chr1-201020172-T-C.
Other names: p.Thr1351=.
Identifiers: ClinVar variation 294723 (VCV000294723.21), dbSNP rs13376324, ClinGen allele CA083054.

ClinVar aggregate classification (germline): Benign/Likely benign. Review status: criteria provided, multiple submitters, no conflicts (2 of 4 stars). 11 submissions from 8 submitters: Benign (9); Likely benign (2). Last evaluated 2026-07-01.

Conditions:
Congenital myopathy 18. Also called: Myopathy, congenital, due to dihydropyridine receptor defect; DIHYDROPYRIDINE RECEPTOR CONGENITAL MYOPATHY; DHPR CONGENITAL MYOPATHY. Identifiers: MedGen C5830283, MONDO:0859514, OMIM 620246.
Inborn genetic diseases. Identifiers: MedGen C0950123, MeSH D030342.
Thyrotoxic periodic paralysis, susceptibility to, 1 (TTPP1). Identifiers: Orphanet 79102, MedGen C2749982, MONDO:0008570, OMIM 188580.
Hypokalemic periodic paralysis, type 1. Also called: Hypokalemic Periodic Paralysis Type 1 (AD); HypoPP. Identifiers: Orphanet 681, MedGen C3714580, MONDO:0042979, OMIM 170400.
Malignant hyperthermia, susceptibility to, 5 (MHS5). Also called: CACNA1S-Related Malignant Hyperthermia Susceptibility. Identifiers: Orphanet 423, MedGen C1866077, MONDO:0011163, OMIM 601887.

Allele frequency attached by ClinVar (database versions not stated): gnomAD 0.00448 and 0.00415; TOPMed 0.00460; gnomAD exomes 0.00116 and 0.00045; ExAC 0.00143; ESP Exome Variant Server 0.00438; 1000 Genomes Project 30x 0.00578; 1000 Genomes Project 0.00559.

Submissions (11):

Ambry Genetics
Classification: Likely benign for Inborn genetic diseases. Last evaluated: 2026-07-01. Review status: criteria provided, single submitter. Criteria: Ambry Variant Classification Scheme 2023. Collection method: clinical testing. Allele origin: germline.

Labcorp Genetics (formerly Invitae), Labcorp
Classification: Benign for Hypokalemic periodic paralysis, type 1; Malignant hyperthermia, susceptibility to, 5. Last evaluated: 2026-01-28. Review status: criteria provided, single submitter. Criteria: Invitae Variant Classification Sherloc (09022015). Collection method: clinical testing. Allele origin: germline.

Blueprint Genetics
Classification: Likely benign. Last evaluated: 2024-10-16. Review status: criteria provided, single submitter. Criteria: ACMG Guidelines, 2015. Collection method: clinical testing. Allele origin: germline.

Genome-Nilou Lab
Classification: Benign for Malignant hyperthermia, susceptibility to, 5. Last evaluated: 2023-04-11. Review status: criteria provided, single submitter. Criteria: ACMG Guidelines, 2015. Collection method: clinical testing. Allele origin: germline. Affected: no.

Genome-Nilou Lab
Classification: Benign for Thyrotoxic periodic paralysis, susceptibility to, 1. Last evaluated: 2023-04-11. Review status: criteria provided, single submitter. Criteria: ACMG Guidelines, 2015. Collection method: clinical testing. Allele origin: germline. Affected: no.

Genome-Nilou Lab
Classification: Benign for Congenital myopathy 18. Last evaluated: 2023-04-11. Review status: criteria provided, single submitter. Criteria: ACMG Guidelines, 2015. Collection method: clinical testing. Allele origin: germline. Affected: no.

Genome-Nilou Lab
Classification: Benign for Hypokalemic periodic paralysis, type 1. Last evaluated: 2023-04-11. Review status: criteria provided, single submitter. Criteria: ACMG Guidelines, 2015. Collection method: clinical testing. Allele origin: germline. Affected: no.

Color Diagnostics, LLC DBA Color Health
Classification: Benign for Malignant hyperthermia, susceptibility to, 5. Last evaluated: 2022-10-20. Review status: criteria provided, single submitter. Criteria: ACMG Guidelines, 2015. Collection method: clinical testing. Allele origin: germline.

Mayo Clinic Laboratories, Mayo Clinic
Classification: Benign. Last evaluated: 2021-09-30. Review status: criteria provided, single submitter. Criteria: ACMG Guidelines, 2015. Collection method: clinical testing. Allele origin: germline. Observed: 4 variant alleles.
Comment: BS1, BS2, BP4, BP7

Illumina Laboratory Services, Illumina
Classification: Benign for Hypokalemic periodic paralysis, type 1. Last evaluated: 2018-01-12. Review status: criteria provided, single submitter. Criteria: ICSL Variant Classification Criteria 13 December 2019. Collection method: clinical testing. Allele origin: germline.
Comment: This variant was observed in the ICSL laboratory as part of a predisposition screen in an ostensibly healthy population. It had not been previously curated by ICSL or reported in the Human Gene Mutation Database (HGMD: prior to June 1st, 2018), and was therefore a candidate for classification through an automated scoring system. Utilizing variant allele frequency, disease prevalence and penetrance estimates, and inheritance mode, an automated score was calculated to assess if this variant is too frequent to cause the disease. Based on the score and internal cut-off values, a variant classified as benign is not then subjected to further curation. The score for this variant resulted in a classification of benign for this disease.

GeneDx
Classification: Benign. Last evaluated: 2017-08-17. Review status: criteria provided, single submitter. Criteria: GeneDx Variant Classification (06012015). Collection method: clinical testing. Allele origin: germline. Affected: yes.
Comment: This variant is considered likely benign or benign based on one or more of the following criteria: it is a conservative change, it occurs at a poorly conserved position in the protein, it is predicted to be benign by multiple in silico algorithms, and/or has population frequency not consistent with disease.